The following is an entry in ClinVar:

NM_001363711.2(DUOX2):c.2792A>G (p.His931Arg)

Gene: DUOX2 (dual oxidase 2; minus strand). Cytogenetic location: 15q21.1.
Variant type: single nucleotide variant.
Coding change: c.2792A>G on transcript NM_001363711.2 (MANE Select); coding-DNA position 2792, A replaced by G.
Protein change: p.His931Arg; replaces histidine 931 with arginine.
Molecular consequence: missense variant.
Genome position (GRCh38, 1-based): chr15:45,101,852, T>C on the plus strand (A>G on the coding strand, the complement: DUOX2 is on the minus strand). VCF-style: chr15-45101852-T-C. GRCh37 (hg19) VCF-style: chr15-45394050-T-C.
Other names: c.2792A>G, p.His931Arg (NM_014080.5); short protein forms H931R.
Identifiers: ClinVar variation 2957326 (VCV002957326.3), dbSNP rs1200339307, ClinGen allele CA392266800.
Genomic context (GRCh38, chr15:45,101,852, plus strand): 5'-CCATTTCCACCTCCACCTCCACCTTTGACACAGAGCTGCGTGAAGCGGAGCTCGCTGTCA[T>C]GGTCCCGCAGCATGAAGTGAAAATCCTCCCATGTCAGCTCCTCCTTGTCCTGGAATCCCG-3'
Protein context (NP_001350640.1, residues 921-941): WEDFHFMLRD[His931Arg]DSELRFTQLC

ClinVar aggregate classification (germline): Uncertain significance (1 of 4 stars; one submission).

Allele frequency attached by ClinVar (database versions not stated): gnomAD exomes below 0.00001; TOPMed below 0.00001; gnomAD 0.00001.
gnomAD v4.1: 4 of 1,614,124 alleles (0.00025%); highest among the groups gnomAD compares: Non-Finnish European, 0.00034%; no homozygotes.

Submission:

Labcorp Genetics (formerly Invitae), Labcorp
Classification: Uncertain significance. Last evaluated: 2024-01-26. Review status: criteria provided, single submitter. Criteria: Invitae Variant Classification Sherloc (09022015). Collection method: clinical testing. Allele origin: germline.
Comment: This sequence change replaces histidine, which is basic and polar, with arginine, which is basic and polar, at codon 931 of the DUOX2 protein (p.His931Arg). This variant is present in population databases (no rsID available, gnomAD 0.0009%). This variant has not been reported in the literature in individuals affected with DUOX2-related conditions. Advanced modeling of protein sequence and biophysical properties (such as structural, functional, and spatial information, amino acid conservation, physicochemical variation, residue mobility, and thermodynamic stability) performed at Invitae indicates that this missense variant is expected to disrupt DUOX2 protein function with a positive predictive value of 80%. In summary, the available evidence is currently insufficient to determine the role of this variant in disease. Therefore, it has been classified as a Variant of Uncertain Significance.